The following is an entry in ClinVar:

NM_199242.3(UNC13D):c.904C>T (p.Leu302Phe)

Gene: UNC13D (unc-13 homolog D; minus strand). Cytogenetic location: 17q25.1.
Variant type: single nucleotide variant.
Coding change: c.904C>T on transcript NM_199242.3 (MANE Select); coding-DNA position 904, C replaced by T.
Protein change: p.Leu302Phe; replaces leucine 302 with phenylalanine.
Molecular consequence: missense variant.
Genome position (GRCh38, 1-based): chr17:75,840,065, G>A on the plus strand (C>T on the coding strand, the complement: UNC13D is on the minus strand). VCF-style: chr17-75840065-G-A. GRCh37 (hg19) VCF-style: chr17-73836146-G-A.
Other names: p.Leu302Phe; short protein forms L302F.
Identifiers: ClinVar variation 325269 (VCV000325269.23), dbSNP rs55661958, ClinGen allele CA8773211.

ClinVar aggregate classification (germline): Benign/Likely benign. Review status: criteria provided, multiple submitters, no conflicts (2 of 4 stars). 7 submissions from 7 submitters: Benign (4); Likely benign (2). 1 of the submissions does not count toward it. Last evaluated 2026-01-31.

Conditions:
UNC13D-related disorder. Also called: UNC13D-related condition.
Autoinflammatory syndrome. Identifiers: Orphanet 93665, MedGen C3890737, MONDO:0019751.
Familial hemophagocytic lymphohistiocytosis 3 (FHL3). Also called: UNC13D-Related Familial Hemophagocytic Lymphohistiocytosis (UNC13D-fHLH). Identifiers: Orphanet 540, MedGen C1837174, MONDO:0012146, OMIM 608898.

Allele frequency attached by ClinVar (database versions not stated): gnomAD exomes 0.00101; 1000 Genomes Project 0.00899; 1000 Genomes Project 30x 0.00921; gnomAD 0.00985 and 0.01066; TOPMed 0.01183; ESP Exome Variant Server 0.01200.
gnomAD v4.1: 3,065 of 1,613,592 alleles (0.19%); highest among the groups gnomAD compares: African/African-American, 3.5%; 53 homozygotes.

Submissions (7):

Labcorp Genetics (formerly Invitae), Labcorp
Classification: Benign for Familial hemophagocytic lymphohistiocytosis 3. Last evaluated: 2026-01-31. Review status: criteria provided, single submitter. Criteria: Invitae Variant Classification Sherloc (09022015). Collection method: clinical testing. Allele origin: germline.

Mayo Clinic Laboratories, Mayo Clinic
Classification: Benign. Last evaluated: 2025-05-12. Review status: criteria provided, single submitter. Criteria: ACMG Guidelines, 2015. Collection method: clinical testing. Allele origin: germline. Observed: 5 variant alleles.
Comment: BA1, BS2, BP4_moderate

Genome Diagnostics Laboratory, The Hospital for Sick Children
Classification: Likely benign for Autoinflammatory syndrome. Last evaluated: 2022-01-19. Review status: criteria provided, single submitter. Criteria: ACMG Guidelines, 2015. Collection method: clinical testing. Allele origin: germline. Affected: yes.

Fulgent Genetics
Classification: Likely benign for Familial hemophagocytic lymphohistiocytosis 3. Last evaluated: 2022-01-05. Review status: criteria provided, single submitter. Criteria: ACMG Guidelines, 2015. Collection method: clinical testing. Allele origin: unknown.

Illumina Laboratory Services, Illumina
Classification: Benign for Familial hemophagocytic lymphohistiocytosis 3. Last evaluated: 2018-01-13. Review status: criteria provided, single submitter. Criteria: ICSL Variant Classification Criteria 13 December 2019. Collection method: clinical testing. Allele origin: germline.
Comment: This variant was observed in the ICSL laboratory as part of a predisposition screen in an ostensibly healthy population. It had not been previously curated by ICSL or reported in the Human Gene Mutation Database (HGMD: prior to June 1st, 2018), and was therefore a candidate for classification through an automated scoring system. Utilizing variant allele frequency, disease prevalence and penetrance estimates, and inheritance mode, an automated score was calculated to assess if this variant is too frequent to cause the disease. Based on the score and internal cut-off values, a variant classified as benign is not then subjected to further curation. The score for this variant resulted in a classification of benign for this disease.

Breakthrough Genomics
Classification: Benign. Review status: criteria provided, single submitter. Criteria: ACMG Guidelines, 2015. Collection method: not provided. Allele origin: germline. Inheritance: Autosomal recessive inheritance. Affected: yes.

PreventionGenetics, part of Exact Sciences
Classification: Benign for UNC13D-related condition. Last evaluated: 2019-02-21. Review status: no assertion criteria provided. Collection method: clinical testing. Allele origin: germline. Not counted in ClinVar's aggregate classification.
Comment: This variant is classified as benign based on ACMG/AMP sequence variant interpretation guidelines (Richards et al. 2015 PMID: 25741868, with internal and published modifications).